The following is an entry in ClinVar:

NM_006017.3(PROM1):c.2374-4C>A

Gene: PROM1 (prominin 1; minus strand). Cytogenetic location: 4p15.32.
Variant type: single nucleotide variant.
Coding change: c.2374-4C>A on transcript NM_006017.3 (MANE Select); 4 bases into the intron before coding-DNA position 2374, C replaced by A.
Molecular consequence: intron variant.
Genome position (GRCh38, 1-based): chr4:15,980,541, G>T on the plus strand (C>A on the coding strand, the complement: PROM1 is on the minus strand). VCF-style: chr4-15980541-G-T. GRCh37 (hg19) VCF-style: chr4-15982164-G-T.
Other names: c.2347-4C>A (NM_001145848.2, NM_001145852.2, NM_001145847.2 and 4 more transcripts); c.2374-4C>A (NM_001145850.2, NM_001145849.2).
Identifiers: ClinVar variation 2119909 (VCV002119909.4), dbSNP rs1342352324, ClinGen allele CA549879022.

ClinVar aggregate classification (germline): Uncertain significance (1 of 4 stars; one submission).

Allele frequency attached by ClinVar (database versions not stated): TOPMed 0.00001.

Submission:

Labcorp Genetics (formerly Invitae), Labcorp
Classification: Uncertain significance. Last evaluated: 2022-03-31. Review status: criteria provided, single submitter. Criteria: Invitae Variant Classification Sherloc (09022015). Collection method: clinical testing. Allele origin: germline.
Comment: This sequence change falls in intron 22 of the PROM1 gene. It does not directly change the encoded amino acid sequence of the PROM1 protein. This variant is present in population databases (no rsID available, gnomAD 0.03%). This variant has not been reported in the literature in individuals affected with PROM1-related conditions. Algorithms developed to predict the effect of sequence changes on RNA splicing suggest that this variant may create or strengthen a splice site. In summary, the available evidence is currently insufficient to determine the role of this variant in disease. Therefore, it has been classified as a Variant of Uncertain Significance.